The following is an entry in ClinVar:

NM_003737.4(DCHS1):c.1955G>A (p.Ser652Asn)

Gene: DCHS1 (dachsous cadherin-related 1; minus strand). Cytogenetic location: 11p15.4.
Variant type: single nucleotide variant.
Coding change: c.1955G>A on transcript NM_003737.4 (MANE Select); coding-DNA position 1955, G replaced by A.
Protein change: p.Ser652Asn; replaces serine 652 with asparagine.
Molecular consequence: missense variant.
Genome position (GRCh38, 1-based): chr11:6,634,149, C>T on the plus strand (G>A on the coding strand, the complement: DCHS1 is on the minus strand). VCF-style: chr11-6634149-C-T. GRCh37 (hg19) VCF-style: chr11-6655380-C-T.
Other names: short protein forms S652N.
Identifiers: ClinVar variation 2853787 (VCV002853787.3), dbSNP rs2493832999, ClinGen allele CA379425324.

ClinVar aggregate classification (germline): Uncertain significance (1 of 4 stars; one submission).

Allele frequency attached by ClinVar (database versions not stated): gnomAD exomes below 0.00001.

Submission:

Labcorp Genetics (formerly Invitae), Labcorp
Classification: Uncertain significance. Last evaluated: 2023-04-09. Review status: criteria provided, single submitter. Criteria: Invitae Variant Classification Sherloc (09022015). Collection method: clinical testing. Allele origin: germline.
Comment: This variant is not present in population databases (gnomAD no frequency). In summary, the available evidence is currently insufficient to determine the role of this variant in disease. Therefore, it has been classified as a Variant of Uncertain Significance. Advanced modeling of protein sequence and biophysical properties (such as structural, functional, and spatial information, amino acid conservation, physicochemical variation, residue mobility, and thermodynamic stability) performed at Invitae indicates that this missense variant is not expected to disrupt DCHS1 protein function. This variant has not been reported in the literature in individuals affected with DCHS1-related conditions. This sequence change replaces serine, which is neutral and polar, with asparagine, which is neutral and polar, at codon 652 of the DCHS1 protein (p.Ser652Asn).